The following is an entry in ClinVar:

NM_000321.3(RB1):c.584G>T (p.Trp195Leu)

Gene: RB1 (RB transcriptional corepressor 1; plus strand). Cytogenetic location: 13q14.2.
Variant type: single nucleotide variant.
Coding change: c.584G>T on transcript NM_000321.3 (MANE Select); coding-DNA position 584, G replaced by T.
Protein change: p.Trp195Leu; replaces tryptophan 195 with leucine.
Molecular consequence: missense variant.
Genome position (GRCh38, 1-based): chr13:48,349,000, G>T. VCF-style: chr13-48349000-G-T. GRCh37 (hg19) VCF-style: chr13-48923136-G-T.
Other names: c.584G>T, p.Trp195Leu (NM_001407165.1, NM_001407166.1); short protein forms W195L.
Identifiers: ClinVar variation 4531245 (VCV004531245.1).

ClinVar aggregate classification (germline): Likely pathogenic (1 of 4 stars; one submission).

Conditions:
Retinoblastoma (RB1). Also called: RETINOBLASTOMA, SOMATIC. Identifiers: Orphanet 790, MedGen C0035335, MeSH D012175, MONDO:0008380, OMIM 180200, HP:0009919. Disease mechanism: loss of function. Inheritance: Both sporadic and heritable forms are tested..

Submission:

Juno Genomics, Hangzhou Juno Genomics, Inc
Classification: Likely pathogenic for Retinoblastoma. Review status: criteria provided, single submitter. Criteria: ACMG Guidelines, 2015. Collection method: clinical testing. Allele origin: germline. Affected: yes.
Comment: Absent from controls (or at extremely low frequency if recessive) in Genome Aggregation Database, Exome Sequencing Project, 1000 Genomes Project, or Exome Aggregation Consortium.;Multiple lines of computational evidence support a deleterious effect on the gene or gene product (conservation, evolutionary, splicing impact, etc).;Patient's phenotype or family history is highly specific for a disease with a single genetic etiology.